The following is an entry in ClinVar:

NM_001267550.2(TTN):c.83013G>C (p.Glu27671Asp)

Genes: TTN (titin; minus strand), TTN-AS1 (TTN antisense RNA 1; plus strand). Cytogenetic location: 2q31.2.
Variant type: single nucleotide variant.
Coding change: c.83013G>C on transcript NM_001267550.2 (MANE Select); coding-DNA position 83013, G replaced by C.
Protein change: p.Glu27671Asp; replaces glutamic acid 27671 with aspartic acid.
Molecular consequence: missense variant.
Genome position (GRCh38, 1-based): chr2:178,563,119, C>G on the plus strand (G>C on the coding strand, the complement: TTN is on the minus strand). VCF-style: chr2-178563119-C-G. GRCh37 (hg19) VCF-style: chr2-179427846-C-G.
Other names: p.E26030D:GAG>GAC; c.78090G>C, p.Glu26030Asp (NM_001256850.1); c.55818G>C, p.Glu18606Asp (NM_003319.4); c.75309G>C, p.Glu25103Asp (NM_133378.4); c.56193G>C, p.Glu18731Asp (NM_133432.3); c.56394G>C, p.Glu18798Asp (NM_133437.4); short protein forms E26030D, E27671D, E18606D, E18731D, E18798D, E25103D.
Identifiers: ClinVar variation 202918 (VCV000202918.2), dbSNP rs794729514, ClinGen allele CA310686.

ClinVar aggregate classification (germline): Uncertain significance (1 of 4 stars; one submission).

Submission:

GeneDx
Classification: Uncertain significance. Last evaluated: 2014-05-23. Review status: criteria provided, single submitter. Criteria: GeneDx Variant Classification (06012015). Collection method: clinical testing. Allele origin: germline. Affected: yes.
Comment: Missense variants in the TTN gene are considered 'unclassified' if they are not previously reported in the literature and do not have >1% frequency in the population to be considered a polymorphism. Research indicates that truncating mutations in the TTN gene are expected to account for approximately 25% of familial and 18% of sporadic idiopathic DCM; however, truncating variants in the TTN gene have been reported in approximately 3% of reported control alleles. There has been little investigation into non-truncating variants. (Herman D et al. Truncations of titin causing dilated cardiomyopathy. N Eng J Med 366:619-628, 2012) The variant is found in CARDIOMYOPATHY panel(s).